The following is an entry in ClinVar:

ClinVar aggregate classification (germline): Uncertain significance (1 of 4 stars; one submission).

Conditions:
Ectodermal dysplasia and immunodeficiency 2. Identifiers: Orphanet 238468, Orphanet 98813, MedGen C2677481, MONDO:0012806, OMIM 612132.

Allele frequency attached by ClinVar (database versions not stated): gnomAD 0.00001; gnomAD exomes 0.00001; TOPMed 0.00001; ExAC 0.00002.

Submission:

Labcorp Genetics (formerly Invitae), Labcorp
Classification: Uncertain significance for Ectodermal dysplasia and immunodeficiency 2. Last evaluated: 2025-03-10. Review status: criteria provided, single submitter. Criteria: Invitae Variant Classification Sherloc (09022015). Collection method: clinical testing. Allele origin: germline.
Comment: This sequence change replaces arginine, which is basic and polar, with glutamine, which is neutral and polar, at codon 143 of the NFKBIA protein (p.Arg143Gln). This variant is present in population databases (rs757053022, gnomAD 0.003%). This variant has not been reported in the literature in individuals affected with NFKBIA-related conditions. ClinVar contains an entry for this variant (Variation ID: 2084342). An algorithm developed to predict the effect of missense changes on protein structure and function outputs the following: PolyPhen-2: "Benign". The glutamine amino acid residue is found in multiple mammalian species, which suggests that this missense change does not adversely affect protein function. In summary, the available evidence is currently insufficient to determine the role of this variant in disease. Therefore, it has been classified as a Variant of Uncertain Significance.

NM_020529.3(NFKBIA):c.428G>A (p.Arg143Gln)

Genes: NFKBIA (NFKB inhibitor alpha; minus strand), LOC130055494 (ATAC-STARR-seq lymphoblastoid active region 8276; plus strand). Cytogenetic location: 14q13.2.
Variant type: single nucleotide variant.
Coding change: c.428G>A on transcript NM_020529.3 (MANE Select); coding-DNA position 428, G replaced by A.
Protein change: p.Arg143Gln; replaces arginine 143 with glutamine.
Molecular consequence: missense variant.
Genome position (GRCh38, 1-based): chr14:35,403,269, C>T on the plus strand (G>A on the coding strand, the complement: NFKBIA is on the minus strand). VCF-style: chr14-35403269-C-T. GRCh37 (hg19) VCF-style: chr14-35872475-C-T.
Other names: short protein forms R143Q.
Identifiers: ClinVar variation 2084342 (VCV002084342.4), dbSNP rs757053022, ClinGen allele CA7155469.